The following is an entry in ClinVar:

NM_000426.4(LAMA2):c.6708-13C>T

Gene: LAMA2 (laminin subunit alpha 2; plus strand). Cytogenetic location: 6q22.33.
Variant type: single nucleotide variant.
Coding change: c.6708-13C>T on transcript NM_000426.4 (MANE Select); 13 bases into the intron before coding-DNA position 6708, C replaced by T.
Molecular consequence: intron variant.
Genome position (GRCh38, 1-based): chr6:129,456,322, C>T. VCF-style: chr6-129456322-C-T. GRCh37 (hg19) VCF-style: chr6-129777467-C-T.
Other names: c.6708-13C>T (NM_000426.3, NM_001079823.2).
Identifiers: ClinVar variation 1580050 (VCV001580050.10), dbSNP rs375474916, ClinGen allele CA3994349.

ClinVar aggregate classification (germline): Likely benign. Review status: criteria provided, single submitter (1 of 4 stars). 2 submissions from 2 submitters: Likely benign (1). 1 of the submissions does not count toward it. Last evaluated 2026-01-27.

Conditions:
LAMA2-related disorder. Also called: LAMA2-related condition; LAMA2-related disorders.
LAMA2-related muscular dystrophy (LAMA2-RD). Also called: Laminin alpha 2-related dystrophy. Identifiers: MedGen C5679788, MONDO:0100228.

Allele frequency attached by ClinVar (database versions not stated): ExAC 0.00005; ESP Exome Variant Server 0.00015; 1000 Genomes Project 30x 0.00016; 1000 Genomes Project 0.00020; TOPMed 0.00025; gnomAD 0.00031 and 0.00033.
gnomAD v4.1: 96 of 1,612,074 alleles (0.006%); highest among the groups gnomAD compares: African/African-American, 0.079%; no homozygotes.

Submissions (2):

Labcorp Genetics (formerly Invitae), Labcorp
Classification: Likely benign for LAMA2-related muscular dystrophy. Last evaluated: 2026-01-27. Review status: criteria provided, single submitter. Criteria: Invitae Variant Classification Sherloc (09022015). Collection method: clinical testing. Allele origin: germline.

PreventionGenetics, part of Exact Sciences
Classification: Likely benign for LAMA2-related condition. Last evaluated: 2019-08-27. Review status: no assertion criteria provided. Collection method: clinical testing. Allele origin: germline. Not counted in ClinVar's aggregate classification.
Comment: This variant is classified as likely benign based on ACMG/AMP sequence variant interpretation guidelines (Richards et al. 2015 PMID: 25741868, with internal and published modifications).